The following is an entry in ClinVar:

NM_000051.4(ATM):c.5005+5A>G

Gene: ATM (ATM serine/threonine kinase; plus strand). Cytogenetic location: 11q22.3.
Variant type: single nucleotide variant.
Coding change: c.5005+5A>G on transcript NM_000051.4 (MANE Select); 5 bases into the intron after coding-DNA position 5005, A replaced by G.
Molecular consequence: intron variant.
Genome position (GRCh38, 1-based): chr11:108,297,387, A>G. VCF-style: chr11-108297387-A-G. GRCh37 (hg19) VCF-style: chr11-108168114-A-G.
Other names: c.5005+5A>G (NM_001351834.2).
Identifiers: ClinVar variation 3801860 (VCV003801860.1).

ClinVar aggregate classification (germline): Uncertain significance (1 of 4 stars; one submission).

Conditions:
Hereditary cancer-predisposing syndrome. Also called: Neoplastic Syndromes, Hereditary; Hereditary Cancer Syndrome; Tumor predisposition; Hereditary neoplastic syndrome. Identifiers: Orphanet 140162, MedGen C0027672, MeSH D009386, MONDO:0015356.

Submission:

Ambry Genetics
Classification: Uncertain significance for Hereditary cancer-predisposing syndrome. Last evaluated: 2025-01-30. Review status: criteria provided, single submitter. Criteria: Ambry Variant Classification Scheme 2023. Collection method: clinical testing. Allele origin: germline.
Comment: The c.5005+5A>G intronic variant results from an A to G substitution 5 nucleotides after coding exon 32 in the ATM gene. This nucleotide position is not well conserved in available vertebrate species. In silico splice site analysis predicts that this alteration may result in the creation or strengthening of a novel splice acceptor site; however, direct evidence is insufficient at this time (Ambry internal data). Based on the available evidence, the clinical significance of this variant remains unclear.